The following is an entry in ClinVar:

NM_130839.5(UBE3A):c.1136dup (p.Asn379fs)

Genes: SNHG14 (small nucleolar RNA host gene 14; plus strand), UBE3A (ubiquitin protein ligase E3A; minus strand). Cytogenetic location: 15q11.2.
Variant type: Duplication.
Coding change: c.1136dup on transcript NM_130839.5 (MANE Select); coding-DNA position 1136, one base duplicated (A; older notation c.1136dupA).
Protein change: p.Asn379fs; shifts the reading frame from asparagine 379.
Molecular consequence: frameshift variant. On other transcripts: non-coding transcript variant (1), intron variant (2).
Genome position (GRCh38, 1-based): chr15:25,371,038, T duplicated on the plus strand (A on the coding strand, the reverse complement: UBE3A is on the minus strand); the first of 3 consecutive T bases (chr15:25,371,038-25,371,040); duplicating any one gives the same sequence. VCF-style (leftmost placement, unchanged base first): chr15-25371037-A-AT. GRCh37 (hg19) VCF-style: chr15-25616184-A-AT.
Other names: c.1145dup, p.Asn382fs (NM_000462.5); c.1136dup, p.Asn379fs (NM_001354505.1, NM_001354538.2, NM_001354545.2); c.1076dup, p.Asn359fs (NM_001354506.2, NM_001354507.2, NM_001354508.2 and 17 more transcripts); c.959dup, p.Asn320fs (NM_001354546.2); c.301+4425dup (NM_001354551.2); c.361+4425dup (NM_001354550.2); short protein forms N359fs, N379fs, N320fs, N382fs.
Identifiers: ClinVar variation 155945 (VCV000155945.1), dbSNP rs587781194, ClinGen allele CA333302.

ClinVar aggregate classification (germline): Pathogenic (0 of 4 stars; one submission).

Conditions:
Angelman syndrome (AS). Also called: HAPPY PUPPET SYNDROME. Identifiers: Orphanet 72, MedGen C0162635, MONDO:0007113, OMIM 105830. Disease mechanism: loss of function. Inheritance: AS is caused by disruption of maternally imprinted UBE3A located within the 15q11.2-q13 Angelman syndrome/Prader-Willi syndrome (AS/PWS) region., imprinting disorder.

Submission:

Baylor Genetics
Classification: Pathogenic for Angelman Syndrome. Last evaluated: 2014-02-14. Review status: no assertion criteria provided. Collection method: clinical testing. Allele origin: germline. Affected: yes. Observed: 1 variant allele. Study: UBE3A Mutation Study.
Comment: Data collected from clinical UBE3A sequence analysis results

Literature cited by the submitters: PubMed 25212744.